The following is an entry in ClinVar:

NM_002941.4(ROBO1):c.1063G>T (p.Val355Leu)

Gene: ROBO1 (roundabout guidance receptor 1; minus strand). Cytogenetic location: 3p12.3.
Variant type: single nucleotide variant.
Coding change: c.1063G>T on transcript NM_002941.4 (MANE Select); coding-DNA position 1063, G replaced by T.
Protein change: p.Val355Leu; replaces valine 355 with leucine.
Molecular consequence: missense variant.
Genome position (GRCh38, 1-based): chr3:78,688,755, C>A on the plus strand (G>T on the coding strand, the complement: ROBO1 is on the minus strand). VCF-style: chr3-78688755-C-A. GRCh37 (hg19) VCF-style: chr3-78737905-C-A.
Other names: c.955G>T, p.Val319Leu (NM_001145844.1, NM_001145845.2, NM_133631.4); short protein forms V355L, V319L.
Identifiers: ClinVar variation 2041389 (VCV002041389.3), dbSNP rs747814171, ClinGen allele CA2499058.

ClinVar aggregate classification (germline): Uncertain significance (1 of 4 stars; one submission).

Allele frequency attached by ClinVar (database versions not stated): gnomAD exomes 0.00002; gnomAD 0.00005; TOPMed 0.00004; ExAC 0.00006.
gnomAD v4.1: 40 of 1,608,746 alleles (0.0025%); highest among the groups gnomAD compares: Admixed American, 0.01%; no homozygotes.

Submission:

Labcorp Genetics (formerly Invitae), Labcorp
Classification: Uncertain significance. Last evaluated: 2024-08-23. Review status: criteria provided, single submitter. Criteria: Invitae Variant Classification Sherloc (09022015). Collection method: clinical testing. Allele origin: germline.
Comment: This sequence change replaces valine, which is neutral and non-polar, with leucine, which is neutral and non-polar, at codon 355 of the ROBO1 protein (p.Val355Leu). This variant is present in population databases (rs747814171, gnomAD 0.02%). This variant has not been reported in the literature in individuals affected with ROBO1-related conditions. ClinVar contains an entry for this variant (Variation ID: 2041389). Invitae Evidence Modeling of protein sequence and biophysical properties (such as structural, functional, and spatial information, amino acid conservation, physicochemical variation, residue mobility, and thermodynamic stability) indicates that this missense variant is not expected to disrupt ROBO1 protein function with a negative predictive value of 95%. In summary, the available evidence is currently insufficient to determine the role of this variant in disease. Therefore, it has been classified as a Variant of Uncertain Significance.